The following is an entry in ClinVar:

ClinVar aggregate classification (germline): Uncertain significance (1 of 4 stars; one submission).

Conditions:
NOTCH3-related disorder. Also called: NOTCH3-related disorders; NOTCH3-related condition.

gnomAD v4.1: 3 of 1,549,382 alleles (0.00019%); highest among the groups gnomAD compares: Non-Finnish European, 0.00026%; no homozygotes.

Submission:

PreventionGenetics, part of Exact Sciences
Classification: Uncertain significance for NOTCH3-related condition. Last evaluated: 2025-11-10. Review status: criteria provided, single submitter. Criteria: ACMG Guidelines, 2015. Collection method: clinical testing. Allele origin: germline.
Comment: The NOTCH3 c.2387G>T variant is predicted to result in the amino acid substitution p.Cys796Phe. To our knowledge, this variant has not been reported in the literature or in a large population database (gnomAD), indicating this variant is rare. At this time, the clinical significance of this variant is uncertain due to the absence of conclusive functional and genetic evidence.

NM_000435.3(NOTCH3):c.2387G>T (p.Cys796Phe)

Gene: NOTCH3 (notch receptor 3; minus strand). Cytogenetic location: 19p13.12.
Variant type: single nucleotide variant.
Coding change: c.2387G>T on transcript NM_000435.3 (MANE Select); coding-DNA position 2387, G replaced by T.
Protein change: p.Cys796Phe; replaces cysteine 796 with phenylalanine.
Molecular consequence: missense variant.
Genome position (GRCh38, 1-based): chr19:15,184,929, C>A on the plus strand (G>T on the coding strand, the complement: NOTCH3 is on the minus strand). VCF-style: chr19-15184929-C-A. GRCh37 (hg19) VCF-style: chr19-15295740-C-A.
Other names: short protein forms C796F.
Identifiers: ClinVar variation 5000818 (VCV005000818.1).
Genomic context (GRCh38, chr19:15,184,929, plus strand): 5'-GATGGAGAGGAGGAGGGAAGAGAAGCAGGTGGCATACCTTGCCAGCCCTGGGGGCAGGAG[C>A]AGACAGGCAGCTGGCCAGGGGCAGACTCGCAGCGGCCCCCATGCTCACAGGGGTTCGGGG-3'
Protein context (NP_000426.2, residues 786-806): CESAPGQLPV[Cys796Phe]SCPQGWQGPR